The following is an entry in ClinVar:

ClinVar aggregate classification (germline): Likely benign (0 of 4 stars; one submission).

Conditions:
ADCY3-related disorder. Also called: ADCY3-related condition.

Allele frequency attached by ClinVar (database versions not stated): gnomAD 0.00001; TOPMed 0.00003; ExAC 0.00004.
gnomAD v4.1: 21 of 1,613,894 alleles (0.0013%); highest among the groups gnomAD compares: Admixed American, 0.033%; no homozygotes.

Submission:

PreventionGenetics, part of Exact Sciences
Classification: Likely benign for ADCY3-related condition. Last evaluated: 2020-12-15. Review status: no assertion criteria provided. Collection method: clinical testing. Allele origin: germline.
Comment: This variant is classified as likely benign based on ACMG/AMP sequence variant interpretation guidelines (Richards et al. 2015 PMID: 25741868, with internal and published modifications).

NM_004036.5(ADCY3):c.2079C>G (p.Ala693=)

Gene: ADCY3 (adenylate cyclase 3; minus strand). Cytogenetic location: 2p23.3.
Variant type: single nucleotide variant.
Coding change: c.2079C>G on transcript NM_004036.5 (MANE Select); coding-DNA position 2079, C replaced by G.
Protein change: p.Ala693=; no amino-acid change (alanine 693 retained).
Molecular consequence: synonymous variant.
Genome position (GRCh38, 1-based): chr2:24,830,802, G>C on the plus strand (C>G on the coding strand, the complement: ADCY3 is on the minus strand). VCF-style: chr2-24830802-G-C. GRCh37 (hg19) VCF-style: chr2-25053671-G-C.
Other names: c.2079C>G, p.Ala693= (NM_001320613.2, NM_001377129.1, NM_001377130.1 and 1 more transcripts); c.2145C>G, p.Ala715= (NM_001377128.1); c.1356C>G, p.Ala452= (NM_001377131.1).
Identifiers: ClinVar variation 3042488 (VCV003042488.2), dbSNP rs763137888, ClinGen allele CA1553879.
Genomic context (GRCh38, chr2:24,830,802, plus strand): 5'-GATGGCGAGCATGGCCCAGGTGTTCCTGGCCCAGCGGGTCCGGTCAATCCAAGTTGAGAA[G>C]GCCACAAGCTTCTTAGGAAAGGCCTAGAAGGAACAGAATTTCAAGGGCCATGAGCCTTTG-3'
Protein context (NP_004027.2, residues 683-703): FPRAFPKKLV[Ala693=]FSTWIDRTRW